The following is an entry in ClinVar:

NM_000038.6(APC):c.1977C>G (p.Asn659Lys)

Gene: APC (APC regulator of Wnt signaling pathway; plus strand). Cytogenetic location: 5q22.2.
Variant type: single nucleotide variant.
Coding change: c.1977C>G on transcript NM_000038.6 (MANE Select); coding-DNA position 1977, C replaced by G.
Protein change: p.Asn659Lys; replaces asparagine 659 with lysine.
Molecular consequence: missense variant.
Genome position (GRCh38, 1-based): chr5:112,837,571, C>G. VCF-style: chr5-112837571-C-G. GRCh37 (hg19) VCF-style: chr5-112173268-C-G.
Other names: c.1977C>G, p.Asn659Lys (NM_001127510.3, NM_001354895.2); c.1923C>G, p.Asn641Lys (NM_001127511.3); c.2031C>G, p.Asn677Lys (NM_001354896.2); c.2007C>G, p.Asn669Lys (NM_001354897.2); c.1902C>G, p.Asn634Lys (NM_001354898.2); c.1893C>G, p.Asn631Lys (NM_001354899.2); c.1854C>G, p.Asn618Lys (NM_001354900.2); c.1800C>G, p.Asn600Lys (NM_001354901.2); and 5 more; short protein forms N376K, N499K, N533K, N558K, N568K, N600K, N618K, N631K.
Identifiers: ClinVar variation 1009707 (VCV001009707.10), dbSNP rs1561574172, ClinGen allele CA16025637.

ClinVar aggregate classification (germline): Uncertain significance (1 of 4 stars; one submission).

Conditions:
Familial adenomatous polyposis 1 (FAP1). Also called: FAMILIAL ADENOMATOUS POLYPOSIS 1, ATTENUATED; POLYPOSIS, ADENOMATOUS INTESTINAL. Identifiers: MedGen C2713442, MONDO:0021056, OMIM 175100. Disease mechanism: loss of function.

Allele frequency attached by ClinVar (database versions not stated): gnomAD exomes below 0.00001.
gnomAD v4.1: 1 of 1,612,746 alleles (0.000062%); highest among the groups gnomAD compares: Non-Finnish European, 0.000085%; no homozygotes.

Submission:

Labcorp Genetics (formerly Invitae), Labcorp
Classification: Uncertain significance for Familial adenomatous polyposis 1. Last evaluated: 2020-06-16. Review status: criteria provided, single submitter. Criteria: Invitae Variant Classification Sherloc (09022015). Collection method: clinical testing. Allele origin: germline.
Comment: In summary, the available evidence is currently insufficient to determine the role of this variant in disease. Therefore, it has been classified as a Variant of Uncertain Significance. Algorithms developed to predict the effect of missense changes on protein structure and function are either unavailable or do not agree on the potential impact of this missense change (SIFT: "Deleterious"; PolyPhen-2: "Benign"; Align-GVGD: "Class C25"). This variant has not been reported in the literature in individuals with APC-related conditions. This variant is not present in population databases (ExAC no frequency). This sequence change replaces asparagine with lysine at codon 659 of the APC protein (p.Asn659Lys). The asparagine residue is highly conserved and there is a moderate physicochemical difference between asparagine and lysine.